The following is an entry in ClinVar:

ClinVar aggregate classification (germline): Uncertain significance (1 of 4 stars; one submission).

Conditions:
Houge-Janssens syndrome 2. Also called: INTELLECTUAL DEVELOPMENTAL DISORDER, AUTOSOMAL DOMINANT 36; Microcephaly-corpus callosum hypoplasia-intellectual disability-facial dysmorphism syndrome; PPP2R1A-Related Neurodevelopmental Disorder. Identifiers: Orphanet 457284, MedGen C4225352, MONDO:0014605, OMIM 616362.

Allele frequency attached by ClinVar (database versions not stated): TOPMed below 0.00001.

Submission:

Baylor Genetics
Classification: Uncertain significance for Houge-Janssens syndrome 2. Last evaluated: 2018-12-28. Review status: criteria provided, single submitter. Criteria: ACMG Guidelines, 2015. Collection method: clinical testing. Allele origin: paternal. Affected: yes.
Comment: This variant was determined to be of uncertain significance according to ACMG Guidelines, 2015 [PMID:25741868].

NM_014225.6(PPP2R1A):c.1306G>A (p.Val436Met)

Gene: PPP2R1A (protein phosphatase 2 scaffold subunit Aalpha; plus strand). Cytogenetic location: 19q13.41.
Variant type: single nucleotide variant.
Coding change: c.1306G>A on transcript NM_014225.6 (MANE Select); coding-DNA position 1306, G replaced by A.
Protein change: p.Val436Met; replaces valine 436 with methionine.
Molecular consequence: missense variant. On other transcripts: non-coding transcript variant (1).
Genome position (GRCh38, 1-based): chr19:52,220,192, G>A. VCF-style: chr19-52220192-G-A. GRCh37 (hg19) VCF-style: chr19-52723445-G-A.
Other names: c.769G>A, p.Val257Met (NM_001363656.2); short protein forms V436M, V257M.
Identifiers: ClinVar variation 1031810 (VCV001031810.1), dbSNP rs1978832523, ClinGen allele CA407189713.